The following is an entry in ClinVar:

NM_000455.5(STK11):c.1124A>T (p.Glu375Val)

Gene: STK11 (serine/threonine kinase 11; plus strand). Cytogenetic location: 19p13.3.
Variant type: single nucleotide variant.
Coding change: c.1124A>T on transcript NM_000455.5 (MANE Select); coding-DNA position 1124, A replaced by T.
Protein change: p.Glu375Val; replaces glutamic acid 375 with valine.
Molecular consequence: missense variant. On other transcripts: non-coding transcript variant (1).
Genome position (GRCh38, 1-based): chr19:1,226,469, A>T. VCF-style: chr19-1226469-A-T. GRCh37 (hg19) VCF-style: chr19-1226468-A-T.
Other names: short protein forms E375V.
Identifiers: ClinVar variation 2600404 (VCV002600404.2), dbSNP rs1060499951, ClinGen allele CA402953204.
Genomic context (GRCh38, chr19:1,226,469, plus strand): 5'-GGTTGCGCCCCTCAGCTCAGGCCACACTTGCCGTCTCCCTCCCAGGACAGGTCCCAGAAG[A>T]GGAGGCCAGTCACAATGGACAGCGCCGGGGCCTCCCCAAGGCCGTGTGTATGAACGGCAC-3'
Protein context (NP_000446.1, residues 365-385): DFTVPGQVPE[Glu375Val]EASHNGQRRG

ClinVar aggregate classification (germline): Uncertain significance (1 of 4 stars; one submission).

Conditions:
Hereditary cancer-predisposing syndrome. Also called: Tumor predisposition; Hereditary Cancer Syndrome; Hereditary neoplastic syndrome; Neoplastic Syndromes, Hereditary. Identifiers: Orphanet 140162, MedGen C0027672, MeSH D009386, MONDO:0015356.

Submission:

Ambry Genetics
Classification: Uncertain significance for Hereditary cancer-predisposing syndrome. Last evaluated: 2023-06-16. Review status: criteria provided, single submitter. Criteria: Ambry Variant Classification Scheme 2023. Collection method: clinical testing. Allele origin: germline.
Comment: The p.E375V variant (also known as c.1124A>T), located in coding exon 9 of the STK11 gene, results from an A to T substitution at nucleotide position 1124. The glutamic acid at codon 375 is replaced by valine, an amino acid with dissimilar properties. This amino acid position is conserved. In addition, this alteration is predicted to be tolerated by in silico analysis. Since supporting evidence is limited at this time, the clinical significance of this alteration remains unclear.